The following is an entry in ClinVar:

NM_000214.3(JAG1):c.3417= (p.Tyr1139=)

Gene: JAG1 (jagged canonical Notch ligand 1; minus strand). Cytogenetic location: 20p12.2.
Variant type: single nucleotide variant.
Coding change: c.3417= on transcript NM_000214.3 (MANE Select); coding-DNA position 3417, no change from the reference sequence.
Protein change: p.Tyr1139=; no amino-acid change (tyrosine 1139 retained).
Molecular consequence: no sequence alteration.
Genome position: GRCh38 VCF-style: chr20-10639738-A-A. GRCh37 (hg19) VCF-style: chr20-10620386-A-A.
Other names: c.3417=, p.Tyr1139= (LRG_1191t1).
Identifiers: ClinVar variation 163703 (VCV000163703.4), dbSNP rs1051419.

ClinVar aggregate classification (germline): Benign (1 of 4 stars; one submission).

Allele frequency attached by ClinVar (database versions not stated): ESP Exome Variant Server 0.27280; 1000 Genomes Project 30x 0.27936; TOPMed 0.28395; gnomAD 0.28722 and 0.29200; 1000 Genomes Project 0.28734; ExAC 0.34081; gnomAD exomes 0.34868 and 0.35998.

Submission:

Laboratory for Molecular Medicine, Mass General Brigham Personalized Medicine
Classification: Benign. Last evaluated: 2016-03-30. Review status: criteria provided, single submitter. Criteria: LMM Criteria. Collection method: clinical testing. Allele origin: germline. Observed: 35 variant alleles.
Comment: p.Tyr1139Tyr in exon 26 of JAG1: This variant is not expected to have clinical s ignificance because it does not alter an amino acid residue and is not located w ithin the splice consensus sequence. It has been identified in 11% (1053/10402) of African chromosomes by the Exome Aggregation Consortium (ExAC; dbSNP rs1051419).